The following is an entry in ClinVar:

ClinVar aggregate classification (germline): Likely pathogenic (1 of 4 stars; one submission).

Conditions:
Sponastrime dysplasia. Also called: SPONDYLAR AND NASAL ALTERATIONS WITH STRIATED METAPHYSES. Identifiers: Orphanet 93357, MedGen C1300260, MONDO:0010068, OMIM 271510.

Submission:

Diagnostics Services (NGS), CSIR - Centre For Cellular And Molecular Biology
Classification: Likely pathogenic for Sponastrime dysplasia. Last evaluated: 2023-10-16. Review status: criteria provided, single submitter. Criteria: ACMG Guidelines, 2015. Collection method: clinical testing. Allele origin: unknown. Affected: yes. Observed: 1 variant allele, 1 heterozygote.
Comment: The c.2952_2953delinsT variant is not present in publicly available population databases like 1000 Genomes, EVS, ExAC, gnomAD, Indian Exome Database or our in-house exome database. This variant has neither been published in literature with TONSL-related conditions nor reported to the clinical databases like Human Genome Mutation Database (HGMD), ClinVar or OMIM, in any affected individuals. In-silico pathogenicity prediction programs like MutationTaster2, CADD, Varsome, Franklin etc predicted this variant to be likely deleterious. This variant causes frameshift at the 985th position of the altered transcript that creates a premature translational stop codon in the altered transcript that may either result in translation of a truncated protein or cause nonsense mediated decay of the mRNA.

NM_013432.5(TONSL):c.2952_2953delinsT (p.Ala985fs)

Gene: TONSL (tonsoku like, DNA repair protein; minus strand). Cytogenetic location: 8q24.3.
Variant type: Indel.
Coding change: c.2952_2953delinsT on transcript NM_013432.5 (MANE Select); coding-DNA positions 2952 to 2953, GG replaced by T.
Protein change: p.Ala985fs; shifts the reading frame from alanine 985.
Molecular consequence: frameshift variant.
Genome position (GRCh38, 1-based): chr8:144,435,070-144,435,071, CC replaced by A on the plus strand (GG replaced by T on the coding strand, the reverse complement: TONSL is on the minus strand). VCF-style: chr8-144435070-CC-A. GRCh37 (hg19) VCF-style: chr8-145660453-CC-A.
Other names: short protein forms A985fs.
Identifiers: ClinVar variation 2583174 (VCV002583174.1), dbSNP rs2537483665, ClinGen allele CA2582341974.
Genomic context (GRCh38, chr8:144,435,070, plus strand): 5'-GGCTCACCTCGTCATTGCTCTGCAGCACATCAGGGATGAGGTCCTGTGGGGCCAGCAGGG[CC>A]CCCTCTTTCCGTAGGGTGAGCCTGGGCAGCAGCCCGCAGGTCTGGTAGTAGCGCTGGGCC-3'